The following is an entry in ClinVar:

NM_001605.3(AARS1):c.1220C>A (p.Pro407His)

Gene: AARS1 (alanyl-tRNA synthetase 1; minus strand). Cytogenetic location: 16q22.1.
Variant type: single nucleotide variant.
Coding change: c.1220C>A on transcript NM_001605.3 (MANE Select); coding-DNA position 1220, C replaced by A.
Protein change: p.Pro407His; replaces proline 407 with histidine.
Molecular consequence: missense variant.
Genome position (GRCh38, 1-based): chr16:70,267,661, G>T on the plus strand (C>A on the coding strand, the complement: AARS1 is on the minus strand). VCF-style: chr16-70267661-G-T. GRCh37 (hg19) VCF-style: chr16-70301564-G-T.
Other names: short protein forms P407H.
Identifiers: ClinVar variation 476731 (VCV000476731.8), dbSNP rs770557635, ClinGen allele CA396563176.

ClinVar aggregate classification (germline): Uncertain significance (1 of 4 stars; one submission).

Conditions:
Charcot-Marie-Tooth disease type 2. Also called: Charcot-Marie-Tooth type 2. Identifiers: Orphanet 64746, MedGen C0270914, MONDO:0018993.

Allele frequency attached by ClinVar (database versions not stated): gnomAD 0.00001; TOPMed 0.00002.
gnomAD v4.1: 1 of 1,614,004 alleles (0.000062%); highest among the groups gnomAD compares: Admixed American, 0.0017%; no homozygotes.

Submission:

Labcorp Genetics (formerly Invitae), Labcorp
Classification: Uncertain significance for Charcot-Marie-Tooth disease type 2. Last evaluated: 2025-05-18. Review status: criteria provided, single submitter. Criteria: Invitae Variant Classification Sherloc (09022015). Collection method: clinical testing. Allele origin: germline.
Comment: This sequence change replaces proline, which is neutral and non-polar, with histidine, which is basic and polar, at codon 407 of the AARS protein (p.Pro407His). This variant is not present in population databases (gnomAD no frequency). This variant has not been reported in the literature in individuals affected with AARS-related conditions. ClinVar contains an entry for this variant (Variation ID: 476731). An algorithm developed to predict the effect of missense changes on protein structure and function (PolyPhen-2) suggests that this variant is likely to be disruptive. In summary, the available evidence is currently insufficient to determine the role of this variant in disease. Therefore, it has been classified as a Variant of Uncertain Significance.